The following is an entry in ClinVar:

NM_145200.5(CABP4):c.457dup (p.Glu153fs)

Gene: CABP4 (calcium binding protein 4; plus strand). Cytogenetic location: 11q13.2.
Variant type: Duplication.
Coding change: c.457dup on transcript NM_145200.5 (MANE Select); coding-DNA position 457, one base duplicated (G; older notation c.457dupG).
Protein change: p.Glu153fs; shifts the reading frame from glutamic acid 153.
Molecular consequence: frameshift variant.
Genome position (GRCh38, 1-based): chr11:67,456,358, G duplicated; the last of 3 consecutive G bases (chr11:67,456,356-67,456,358); duplicating any one gives the same sequence. VCF-style (leftmost placement, unchanged base first): chr11-67456355-C-CG. GRCh37 (hg19) VCF-style: chr11-67223826-C-CG.
Other names: c.142dup, p.Glu48fs (NM_001300895.3, NM_001300896.3, NM_001379183.1); c.457dupG (NM_145200.3); short protein forms E48fs, E153fs.
Identifiers: ClinVar variation 872443 (VCV000872443.44), dbSNP rs1864796755, ClinGen allele CA1139662051.

ClinVar aggregate classification (germline): Pathogenic/Likely pathogenic. Review status: criteria provided, multiple submitters, no conflicts (2 of 4 stars). 3 submissions from 3 submitters: Pathogenic (2); Likely pathogenic (1). Last evaluated 2025-04-10.

Conditions:
CABP4-related disorder. Also called: CABP4-related condition.

Submissions (3):

PreventionGenetics, part of Exact Sciences
Classification: Likely pathogenic for CABP4-related condition. Last evaluated: 2025-04-10. Review status: criteria provided, single submitter. Criteria: ACMG Guidelines, 2015. Collection method: clinical testing. Allele origin: germline.
Comment: The CABP4 c.457dupG variant is predicted to result in a frameshift and premature protein termination (p.Glu153Glyfs*4). To our knowledge, this variant has not been reported in the literature or in a large population database (gnomAD), indicating this variant is rare. Frameshift variants in CABP4 are expected to be pathogenic. This variant is interpreted as likely pathogenic.

Labcorp Genetics (formerly Invitae), Labcorp
Classification: Pathogenic. Last evaluated: 2024-02-02. Review status: criteria provided, single submitter. Criteria: Invitae Variant Classification Sherloc (09022015). Collection method: clinical testing. Allele origin: germline.
Comment: This sequence change creates a premature translational stop signal (p.Glu153Glyfs*4) in the CABP4 gene. It is expected to result in an absent or disrupted protein product. Loss-of-function variants in CABP4 are known to be pathogenic (PMID: 25307992). This variant is not present in population databases (gnomAD no frequency). This variant has not been reported in the literature in individuals affected with CABP4-related conditions. ClinVar contains an entry for this variant (Variation ID: 872443). For these reasons, this variant has been classified as Pathogenic.

CeGaT Center for Human Genetics Tuebingen
Classification: Pathogenic. Last evaluated: 2019-03-01. Review status: criteria provided, single submitter. Criteria: CeGaT Center For Human Genetics Tuebingen Variant Classification Criteria Version 2. Collection method: clinical testing. Allele origin: germline. Affected: yes. Observed: 1 variant allele.

Literature cited by the submitters: PubMed 25307992 (cited by Labcorp Genetics (formerly Invitae), Labcorp).